The following is an entry in ClinVar:

NM_207037.2(TCF12):c.1267C>T (p.Arg423Ter)

Gene: TCF12 (transcription factor 12; plus strand). Cytogenetic location: 15q21.3.
Variant type: single nucleotide variant.
Coding change: c.1267C>T on transcript NM_207037.2 (MANE Select); coding-DNA position 1267, C replaced by T.
Protein change: p.Arg423Ter; replaces arginine 423 with a stop codon.
Molecular consequence: nonsense.
Genome position (GRCh38, 1-based): chr15:57,253,268, C>T. VCF-style: chr15-57253268-C-T. GRCh37 (hg19) VCF-style: chr15-57545466-C-T.
Other names: c.1021C>T, p.Arg341Ter (NM_001322158.2); c.1267C>T, p.Arg423Ter (NM_001322159.3, NM_001322162.2, NM_207036.2 and 2 more transcripts); c.1264C>T, p.Arg422Ter (NM_001322161.2); c.1231C>T, p.Arg411Ter (NM_001322164.2); c.1195C>T, p.Arg399Ter (NM_001322165.2, NM_003205.4, NM_207038.2 and 1 more transcripts); c.610C>T, p.Arg204Ter (NM_001322154.2); c.1093C>T, p.Arg365Ter (NM_001322156.2); c.757C>T, p.Arg253Ter (NM_001306219.3); and 2 more; short protein forms R163*, R204*, R229*, R253*, R341*, R365*, R399*, R411*.
Identifiers: ClinVar variation 1203498 (VCV001203498.12), dbSNP rs753261578, ClinGen allele CA7581225.
Genomic context (GRCh38, chr15:57,253,268, plus strand): 5'-TGAATCTAACAGATGCCAGCAATAACCACCATGTTTTTTTTTTAATCCATACAGCAGTCT[C>T]GAATGGAGGATCGTTTAGACAGACTGGATGATGCAATCCATGTGCTGCGGAACCATGCTG-3'

ClinVar aggregate classification (germline): Pathogenic/Likely pathogenic. Review status: criteria provided, multiple submitters, no conflicts (2 of 4 stars). 4 submissions from 4 submitters: Pathogenic (3); Likely pathogenic (1). Last evaluated 2026-06-12.

Conditions:
Common craniosynostosis syndromes.
TCF12-related disorder. Also called: TCF12-related condition.

Allele frequency attached by ClinVar (database versions not stated): gnomAD exomes 0.00001; ExAC 0.00002.
gnomAD v4.1: 2 of 1,613,888 alleles (0.00012%); highest among the groups gnomAD compares: East Asian, 0.0022%; no homozygotes.

Submissions (4):

Genetics Laboratory, Great Ormond Street Hospital NHS Foundation Trust, North Thames Genomic Laboratory Hub
Classification: Pathogenic for Common craniosynostosis syndromes. Last evaluated: 2026-06-12. Review status: criteria provided, single submitter. Criteria: ACGS Best Practice Guidelines for Variant Classification in Rare Disease 2024 v1.2. Collection method: clinical testing. Allele origin: germline. Affected: yes.
Comment: PM2_moderate, PVS1_very-strong, PM6_moderate

GeneDx
Classification: Pathogenic. Last evaluated: 2025-08-07. Review status: criteria provided, single submitter. Criteria: GeneDx Variant Classification Process June 2021. Collection method: clinical testing. Allele origin: germline. Affected: yes.
Comment: Nonsense variant predicted to result in protein truncation or nonsense mediated decay in a gene for which loss-of-function is a known mechanism of disease; This variant is associated with the following publications: (PMID: 33084842, 32368696, 28991257)

Labcorp Genetics (formerly Invitae), Labcorp
Classification: Pathogenic. Last evaluated: 2023-03-04. Review status: criteria provided, single submitter. Criteria: Invitae Variant Classification Sherloc (09022015). Collection method: clinical testing. Allele origin: germline.
Comment: This variant has not been reported in the literature in individuals affected with TCF12-related conditions. ClinVar contains an entry for this variant (Variation ID: 1203498). For these reasons, this variant has been classified as Pathogenic. This sequence change creates a premature translational stop signal (p.Arg423*) in the TCF12 gene. It is expected to result in an absent or disrupted protein product. Loss-of-function variants in TCF12 are known to be pathogenic (PMID: 23354436, 32620954). This variant is present in population databases (rs753261578, gnomAD 0.006%).

Blueprint Genetics
Classification: Likely pathogenic for TCF12-related disorders. Last evaluated: 2022-02-09. Review status: criteria provided, single submitter. Criteria: ACMG Guidelines, 2015. Collection method: clinical testing. Allele origin: germline. Affected: yes. Observed: 2 variant alleles.

Literature cited by the submitters: PubMed 23354436 (cited by Labcorp Genetics (formerly Invitae), Labcorp); PubMed 32620954 (cited by Labcorp Genetics (formerly Invitae), Labcorp).